The following is an entry in ClinVar:

NM_001042492.3(NF1):c.5010_5016del (p.Tyr1671fs)

Gene: NF1 (neurofibromin 1; plus strand). Cytogenetic location: 17q11.2.
Variant type: Deletion.
Coding change: c.5010_5016del on transcript NM_001042492.3 (MANE Select); coding-DNA positions 5010 to 5016, 7 bases deleted (TTACGAC; older notation c.5010_5016delTTACGAC).
Protein change: p.Tyr1671fs; shifts the reading frame from tyrosine 1671.
Molecular consequence: frameshift variant.
Genome position (GRCh38, 1-based): chr17:31,325,994-31,326,000, TTACGAC deleted; deleting any 7 consecutive bases within chr17:31,325,993-31,326,000 gives the same sequence; the c. name uses the placement nearest the transcript's 3' end. VCF-style (leftmost placement, unchanged base first): chr17-31325992-GCTTACGA-G. GRCh37 (hg19) VCF-style: chr17-29653010-GCTTACGA-G.
Other names: c.4947_4953del, p.Tyr1650fs (NM_000267.4); short protein forms Y1650fs, Y1671fs.
Identifiers: ClinVar variation 5025634 (VCV005025634.1).
Genomic context (GRCh38, chr17:31,325,992, plus strand): 5'-CCTAGCAATCGCTTTAAAACAGACTTTCTCTCTAAGTGGTTTGTTGTTTTTCCTGGCTTT[GCTTACGA>G]CAACGTCTCCGCAGTCTATATCTATAACTGTAACTCCTGGGTCAGGGAGTACACCAAGTA-3'

ClinVar aggregate classification (germline): Pathogenic (1 of 4 stars; one submission).

Conditions:
Cardiovascular phenotype. Identifiers: MedGen CN230736.
Hereditary cancer-predisposing syndrome. Also called: Neoplastic Syndromes, Hereditary; Tumor predisposition; Hereditary neoplastic syndrome; Hereditary Cancer Syndrome. Identifiers: Orphanet 140162, MedGen C0027672, MeSH D009386, MONDO:0015356.

Submission:

Ambry Genetics
Classification: Pathogenic for Cardiovascular phenotype; Hereditary cancer-predisposing syndrome. Last evaluated: 2026-09-02. Review status: criteria provided, single submitter. Criteria: Ambry Variant Classification Scheme 2023. Collection method: clinical testing. Allele origin: germline.
Comment: The c.4947_4953delTTACGAC pathogenic mutation, located in coding exon 36 of the NF1 gene, results from a deletion of 7 nucleotides at nucleotide positions 4947 to 4953, causing a translational frameshift with a predicted alternate stop codon (p.Y1650Tfs*25). This variant is considered to be rare based on population cohorts in the Genome Aggregation Database (gnomAD). This variant was reported in individual(s) with features consistent with Neurofibromatosis type 1 (Ambry internal data). This alteration is expected to result in loss of function by premature protein truncation or nonsense-mediated mRNA decay. As such, this alteration is interpreted as a disease-causing mutation.